The following is an entry in ClinVar:

ClinVar aggregate classification (germline): Uncertain significance. Review status: criteria provided, multiple submitters, no conflicts (2 of 4 stars). 2 submissions from 2 submitters: Uncertain significance (2). Last evaluated 2023-03-02.

Conditions:
Familial adenomatous polyposis 1 (FAP1). Also called: FAMILIAL ADENOMATOUS POLYPOSIS 1, ATTENUATED; POLYPOSIS, ADENOMATOUS INTESTINAL. Identifiers: MedGen C2713442, MONDO:0021056, OMIM 175100. Disease mechanism: loss of function.
Hereditary cancer-predisposing syndrome. Also called: Hereditary Cancer Syndrome; Tumor predisposition; Hereditary neoplastic syndrome; Neoplastic Syndromes, Hereditary. Identifiers: Orphanet 140162, MedGen C0027672, MeSH D009386, MONDO:0015356.

Allele frequency attached by ClinVar (database versions not stated): gnomAD exomes below 0.00001.
gnomAD v4.1: 1 of 1,614,038 alleles (0.000062%); highest among the groups gnomAD compares: African/African-American, 0.0013%; no homozygotes.

Submissions (2):

Ambry Genetics
Classification: Uncertain significance for Hereditary cancer-predisposing syndrome. Last evaluated: 2023-03-02. Review status: criteria provided, single submitter. Criteria: Ambry Variant Classification Scheme 2023. Collection method: clinical testing. Allele origin: germline.
Comment: The p.G1120R variant (also known as c.3358G>A), located in coding exon 15 of the APC gene, results from a G to A substitution at nucleotide position 3358. The glycine at codon 1120 is replaced by arginine, an amino acid with dissimilar properties. This amino acid position is well conserved in available vertebrate species. In addition, in silico predictors for this gene do not accurately predict pathogenicity. Since supporting evidence is limited at this time, the clinical significance of this alteration remains unclear.

Labcorp Genetics (formerly Invitae), Labcorp
Classification: Uncertain significance for Familial adenomatous polyposis 1. Last evaluated: 2020-08-18. Review status: criteria provided, single submitter. Criteria: Invitae Variant Classification Sherloc (09022015). Collection method: clinical testing. Allele origin: germline.
Comment: In summary, the available evidence is currently insufficient to determine the role of this variant in disease. Therefore, it has been classified as a Variant of Uncertain Significance. Algorithms developed to predict the effect of sequence changes on RNA splicing suggest that this variant may create or strengthen a splice site, but this prediction has not been confirmed by published transcriptional studies. Algorithms developed to predict the effect of missense changes on protein structure and function are either unavailable or do not agree on the potential impact of this missense change (SIFT: "Deleterious"; PolyPhen-2: "Possibly Damaging"; Align-GVGD: "Class C0"). This variant has not been reported in the literature in individuals with APC-related conditions. This variant is not present in population databases (ExAC no frequency). This sequence change replaces glycine with arginine at codon 1120 of the APC protein (p.Gly1120Arg). The glycine residue is moderately conserved and there is a moderate physicochemical difference between glycine and arginine.

NM_000038.6(APC):c.3358G>A (p.Gly1120Arg)

Gene: APC (APC regulator of Wnt signaling pathway; plus strand). Cytogenetic location: 5q22.2.
Variant type: single nucleotide variant.
Coding change: c.3358G>A on transcript NM_000038.6 (MANE Select); coding-DNA position 3358, G replaced by A.
Protein change: p.Gly1120Arg; replaces glycine 1120 with arginine.
Molecular consequence: missense variant.
Genome position (GRCh38, 1-based): chr5:112,838,952, G>A. VCF-style: chr5-112838952-G-A. GRCh37 (hg19) VCF-style: chr5-112174649-G-A.
Other names: c.3358G>A (NM_000038.5); c.3358G>A, p.Gly1120Arg (NM_001127510.3, NM_001354895.2); c.3304G>A, p.Gly1102Arg (NM_001127511.3); c.3412G>A, p.Gly1138Arg (NM_001354896.2); c.3388G>A, p.Gly1130Arg (NM_001354897.2); c.3283G>A, p.Gly1095Arg (NM_001354898.2); c.3274G>A, p.Gly1092Arg (NM_001354899.2); c.3235G>A, p.Gly1079Arg (NM_001354900.2); and 6 more; short protein forms G1019R, G1029R, G1061R, G1079R, G1092R, G1095R, G1102R, G1120R.
Identifiers: ClinVar variation 1055767 (VCV001055767.12), dbSNP rs1765404132, ClinGen allele CA16028689.